The following is an entry in ClinVar:

ClinVar aggregate classification (germline): Pathogenic/Likely pathogenic. Review status: criteria provided, multiple submitters, no conflicts (2 of 4 stars). 2 submissions from 2 submitters: Pathogenic (1); Likely pathogenic (1). Last evaluated 2025-08-28.

Conditions:
TBCD-related disorder. Also called: TBCD-related condition.

Submissions (2):

Labcorp Genetics (formerly Invitae), Labcorp
Classification: Pathogenic. Last evaluated: 2025-08-28. Review status: criteria provided, single submitter. Criteria: Invitae Variant Classification Sherloc (09022015). Collection method: clinical testing. Allele origin: germline.
Comment: This sequence change creates a premature translational stop signal (p.Trp705Cysfs*2) in the TBCD gene. It is expected to result in an absent or disrupted protein product. Loss-of-function variants in TBCD are known to be pathogenic (PMID: 27666370, 27666374). This variant is not present in population databases (gnomAD no frequency). This variant has not been reported in the literature in individuals affected with TBCD-related conditions. For these reasons, this variant has been classified as Pathogenic.

Blueprint Genetics
Classification: Likely pathogenic for TBCD-related disorders. Last evaluated: 2024-04-16. Review status: criteria provided, single submitter. Criteria: ACMG Guidelines, 2015. Collection method: clinical testing. Allele origin: germline. Affected: yes. Observed: 1 variant allele.

Literature cited by the submitters: PubMed 27666370 (cited by Labcorp Genetics (formerly Invitae), Labcorp); PubMed 27666374 (cited by Labcorp Genetics (formerly Invitae), Labcorp).

NM_005993.5(TBCD):c.2115del (p.Trp705fs)

Gene: TBCD (tubulin folding cofactor D). Cytogenetic location: 17q25.3.
Variant type: Deletion.
Coding change: c.2115del on transcript NM_005993.5 (MANE Select); coding-DNA position 2115, one base deleted.
Protein change: p.Trp705fs; shifts the reading frame from tryptophan 705.
Molecular consequence: frameshift variant.
Genome position: GRCh38 VCF-style: chr17-82921512-TG-T. GRCh37 (hg19) VCF-style: chr17-80879388-TG-T.
Other names: c.2064del, p.Trp688fs (NM_001411101.1); c.2034del, p.Trp678fs (NM_001411102.1); c.1758del, p.Trp586fs (NM_001437989.1); c.1926del, p.Trp642fs (NM_001438250.1); short protein forms W642fs, W586fs, W688fs, W678fs, W705fs.
Identifiers: ClinVar variation 4779466 (VCV004779466.2).
Genomic context (GRCh38, chr17:82,921,512, plus strand): 5'-TTCATGGTGTTTTTGATTGCCTGGGTACGCTAACTTGATTTTTTGACAGATGGTTGGCAA[TG>T]GCTGATAAATGACACTTTGAGACATCTCCATCTCATCTCAAGTCACTCCCGCCAGCAGAT-3'